The following is an entry in ClinVar:

ClinVar aggregate classification (germline): Likely pathogenic (1 of 4 stars; one submission).

Conditions:
Cardioencephalomyopathy, fatal infantile, due to cytochrome c oxidase deficiency 1 (MC4DN2). Also called: MITOCHONDRIAL COMPLEX IV DEFICIENCY, NUCLEAR TYPE 2; CYTOCHROME c OXIDASE DEFICIENCY, FATAL INFANTILE, WITH CARDIOENCEPHALOMYOPATHY. Identifiers: Orphanet 1561, MedGen C5399977, MONDO:0011451, OMIM 604377.

Submission:

Myriad Genetics, Inc.
Classification: Likely pathogenic for Cardioencephalomyopathy, fatal infantile, due to cytochrome c oxidase deficiency 1. Last evaluated: 2026-06-19. Review status: criteria provided, single submitter. Criteria: Myriad Autosomal Dominant, Autosomal Recessive and X-Linked Classification Criteria (2023). Collection method: clinical testing. Allele origin: unknown.
Comment: NM_005138.2(SCO2):c.615C>G(Y205*) is a nonsense variant classified as likely pathogenic in the context of mitochondrial complex IV deficiency, SCO2-related. Y205* has not been observed in cases with relevant disease. Relevant functional assessments of this variant are not available in the literature. Internal structural analysis of the variant is supportive of pathogenicity. Y205* has not been observed in referenced population frequency databases. In summary, NM_005138.2(SCO2):c.615C>G(Y205*) is a nonsense variant in a gene where loss of function is a known mechanism of disease and is predicted to disrupt protein function. Please note: this variant was assessed in the context of healthy population screening.

NM_005138.3(SCO2):c.615C>G (p.Tyr205Ter)

Genes: SCO2 (synthesis of cytochrome C oxidase 2; minus strand), NCAPH2 (non-SMC condensin II complex subunit H2; plus strand). Cytogenetic location: 22q13.33.
Variant type: single nucleotide variant.
Coding change: c.615C>G on transcript NM_005138.3 (MANE Select); coding-DNA position 615, C replaced by G.
Protein change: p.Tyr205Ter; replaces tyrosine 205 with a stop codon.
Molecular consequence: nonsense. On other transcripts: 3 prime UTR variant (2).
Genome position (GRCh38, 1-based): chr22:50,523,797, G>C on the plus strand (C>G on the coding strand, the complement: SCO2 is on the minus strand). VCF-style: chr22-50523797-G-C. GRCh37 (hg19) VCF-style: chr22-50962226-G-C.
Other names: c.*422G>C (NM_001185011.2, NM_152299.4); c.615C>G, p.Tyr205Ter (NM_001169109.2, NM_001169110.1, NM_001169111.2); short protein forms Y205*.
Identifiers: ClinVar variation 5003945 (VCV005003945.1).